The following is an entry in ClinVar:

ClinVar aggregate classification (germline): Uncertain significance (1 of 4 stars; one submission).

Submission:

GeneDx
Classification: Uncertain significance. Last evaluated: 2026-03-07. Review status: criteria provided, single submitter. Criteria: GeneDx Variant Classification Process June 2021. Collection method: clinical testing. Allele origin: germline.
Comment: Not observed at significant frequency in large population cohorts (gnomAD); In silico analysis suggests that this missense variant does not alter protein structure/function; Has not been previously published as pathogenic or benign to our knowledge

NM_001008537.3(NEXMIF):c.1174G>A (p.Asp392Asn)

Gene: NEXMIF (neurite extension and migration factor; minus strand). Cytogenetic location: Xq13.3.
Variant type: single nucleotide variant.
Coding change: c.1174G>A on transcript NM_001008537.3 (MANE Select); coding-DNA position 1174, G replaced by A.
Protein change: p.Asp392Asn; replaces aspartic acid 392 with asparagine.
Molecular consequence: missense variant.
Genome position (GRCh38, 1-based): chrX:74,743,383, C>T on the plus strand (G>A on the coding strand, the complement: NEXMIF is on the minus strand). VCF-style: chrX-74743383-C-T. GRCh37 (hg19) VCF-style: chrX-73963218-C-T.
Other names: short protein forms D392N.
Identifiers: ClinVar variation 5008615 (VCV005008615.1).
Genomic context (GRCh38, chrX:74,743,383, plus strand): 5'-GTTTATTTAAGGCAGGCTTTTCTCCATTATCCTTTCCATCTTTCTTCTCTACACCTTTGT[C>T]TTCCTGTCCTTCCTCTTTGCCTTTCTTCTTGTCCAAGTTTTTATCTTCCTCCCCCCAGAT-3'
Protein context (NP_001008537.1, residues 382-402): KKKGKEEGQE[Asp392Asn]KGVEKKDGKD